The following is an entry in ClinVar:

NM_144997.7(FLCN):c.1294T>C (p.Ser432Pro)

Gene: FLCN (folliculin; minus strand). Cytogenetic location: 17p11.2.
Variant type: single nucleotide variant.
Coding change: c.1294T>C on transcript NM_144997.7 (MANE Select); coding-DNA position 1294, T replaced by C.
Protein change: p.Ser432Pro; replaces serine 432 with proline.
Molecular consequence: missense variant.
Genome position (GRCh38, 1-based): chr17:17,216,386, A>G on the plus strand (T>C on the coding strand, the complement: FLCN is on the minus strand). VCF-style: chr17-17216386-A-G. GRCh37 (hg19) VCF-style: chr17-17119700-A-G.
Other names: c.1294T>C (LRG_325t1); c.1348T>C, p.Ser450Pro (NM_001353229.2); c.1294T>C, p.Ser432Pro (NM_001353230.2, NM_001353231.2); short protein forms S432P, S450P.
Identifiers: ClinVar variation 655715 (VCV000655715.9), dbSNP rs1597583773, ClinGen allele CA398531592.
Genomic context (GRCh38, chr17:17,216,386, plus strand): 5'-GGCGTGGGGAACCTCAGCGCAGGGCATGGCCCCACAGCCCGCGGGGGCACGCACCTGAGG[A>G]GAGCACGTGGGGGGGGATCTGCACGTGCGGGCTGAGCCCCAGGAAGTTGCACCGATAGGC-3'
Protein context (NP_659434.2, residues 422-442): PHVQIPPHVL[Ser432Pro]SEFAVIVEVH

ClinVar aggregate classification (germline): Uncertain significance. Review status: criteria provided, multiple submitters, no conflicts (2 of 4 stars). 3 submissions from 3 submitters: Uncertain significance (3). Last evaluated 2025-06-19.

Conditions:
Birt-Hogg-Dube syndrome. Also called: Birt Hogg Dubé syndrome. Identifiers: Orphanet 122, MedGen C0346010, MONDO:0800444.
Hereditary cancer-predisposing syndrome. Also called: Neoplastic Syndromes, Hereditary; Hereditary neoplastic syndrome; Hereditary Cancer Syndrome; Tumor predisposition. Identifiers: Orphanet 140162, MedGen C0027672, MeSH D009386, MONDO:0015356.
Colorectal cancer. Also called: Colorectal cancer, somatic; Malignant Colorectal Neoplasm. Identifiers: MedGen C0346629, MONDO:0005575, OMIM 114500.
Birt-Hogg-Dube syndrome 1 (BHD1). Also called: FIBROFOLLICULOMAS WITH TRICHODISCOMAS AND ACROCHORDONS. Identifiers: Orphanet 122, MedGen CN375946, MONDO:0800445, OMIM 135150.
Familial spontaneous pneumothorax (PSP). Identifiers: Orphanet 2903, MedGen C1868193, MONDO:0008259, OMIM 173600.
Nonpapillary renal cell carcinoma. Identifiers: Orphanet 422526, MedGen CN074294, MONDO:0007763, OMIM 144700.

Submissions (3):

Ambry Genetics
Classification: Uncertain significance for Hereditary cancer-predisposing syndrome. Last evaluated: 2025-06-19. Review status: criteria provided, single submitter. Criteria: Ambry Variant Classification Scheme 2023. Collection method: clinical testing. Allele origin: germline.
Comment: The p.S432P variant (also known as c.1294T>C), located in coding exon 8 of the FLCN gene, results from a T to C substitution at nucleotide position 1294. The serine at codon 432 is replaced by proline, an amino acid with similar properties. This amino acid position is conserved. In addition, the in silico prediction for this alteration is inconclusive. Since supporting evidence is limited at this time, the clinical significance of this alteration remains unclear.

Labcorp Genetics (formerly Invitae), Labcorp
Classification: Uncertain significance for Birt-Hogg-Dube syndrome. Last evaluated: 2024-10-10. Review status: criteria provided, single submitter. Criteria: Invitae Variant Classification Sherloc (09022015). Collection method: clinical testing. Allele origin: germline.
Comment: This sequence change replaces serine, which is neutral and polar, with proline, which is neutral and non-polar, at codon 432 of the FLCN protein (p.Ser432Pro). This variant is not present in population databases (gnomAD no frequency). This variant has not been reported in the literature in individuals affected with FLCN-related conditions. ClinVar contains an entry for this variant (Variation ID: 655715). Invitae Evidence Modeling of protein sequence and biophysical properties (such as structural, functional, and spatial information, amino acid conservation, physicochemical variation, residue mobility, and thermodynamic stability) indicates that this missense variant is not expected to disrupt FLCN protein function with a negative predictive value of 80%. In summary, the available evidence is currently insufficient to determine the role of this variant in disease. Therefore, it has been classified as a Variant of Uncertain Significance.

Fulgent Genetics
Classification: Uncertain significance for Colorectal cancer; Birt-Hogg-Dube syndrome 1; Nonpapillary renal cell carcinoma; Familial spontaneous pneumothorax. Last evaluated: 2023-12-23. Review status: criteria provided, single submitter. Criteria: ACMG Guidelines, 2015. Collection method: clinical testing. Allele origin: germline.